The following is an entry in ClinVar:

ClinVar aggregate classification (germline): Uncertain significance (1 of 4 stars; one submission).

Conditions:
Hereditary cancer-predisposing syndrome. Also called: Neoplastic Syndromes, Hereditary; Tumor predisposition; Hereditary neoplastic syndrome; Hereditary Cancer Syndrome. Identifiers: Orphanet 140162, MedGen C0027672, MeSH D009386, MONDO:0015356.

Submission:

Ambry Genetics
Classification: Uncertain significance for Hereditary cancer-predisposing syndrome. Last evaluated: 2023-01-11. Review status: criteria provided, single submitter. Criteria: Ambry Variant Classification Scheme 2023. Collection method: clinical testing. Allele origin: germline.
Comment: The p.R1157S variant (also known as c.3471A>T), located in coding exon 19 of the BRIP1 gene, results from an A to T substitution at nucleotide position 3471. The arginine at codon 1157 is replaced by serine, an amino acid with dissimilar properties. This amino acid position is conserved. In addition, this alteration is predicted to be tolerated by in silico analysis. Since supporting evidence is limited at this time, the clinical significance of this alteration remains unclear.

NM_032043.3(BRIP1):c.3471A>T (p.Arg1157Ser)

Gene: BRIP1 (BRCA1 interacting DNA helicase 1; minus strand). Cytogenetic location: 17q23.2.
Variant type: single nucleotide variant.
Coding change: c.3471A>T on transcript NM_032043.3 (MANE Select); coding-DNA position 3471, A replaced by T.
Protein change: p.Arg1157Ser; replaces arginine 1157 with serine.
Molecular consequence: missense variant.
Genome position (GRCh38, 1-based): chr17:61,683,575, T>A on the plus strand (A>T on the coding strand, the complement: BRIP1 is on the minus strand). VCF-style: chr17-61683575-T-A. GRCh37 (hg19) VCF-style: chr17-59760936-T-A.
Other names: short protein forms R1157S.
Identifiers: ClinVar variation 2449929 (VCV002449929.2), dbSNP rs2144074819, ClinGen allele CA400478638.